The following is an entry in ClinVar:

ClinVar aggregate classification (germline): Uncertain significance (1 of 4 stars; one submission).

Allele frequency attached by ClinVar (database versions not stated): TOPMed below 0.00001; gnomAD 0.00001.
gnomAD v4.1: 1 of 1,535,844 alleles (0.000065%); highest among the groups gnomAD compares: African/African-American, 0.0014%; no homozygotes.

Submission:

Labcorp Genetics (formerly Invitae), Labcorp
Classification: Uncertain significance. Last evaluated: 2023-07-17. Review status: criteria provided, single submitter. Criteria: Invitae Variant Classification Sherloc (09022015). Collection method: clinical testing. Allele origin: germline.
Comment: This sequence change replaces phenylalanine, which is neutral and non-polar, with leucine, which is neutral and non-polar, at codon 900 of the PDZD7 protein (p.Phe900Leu). This variant is not present in population databases (gnomAD no frequency). This variant has not been reported in the literature in individuals affected with PDZD7-related conditions. ClinVar contains an entry for this variant (Variation ID: 1061466). Experimental studies and prediction algorithms are not available or were not evaluated, and the functional significance of this variant is currently unknown. In summary, the available evidence is currently insufficient to determine the role of this variant in disease. Therefore, it has been classified as a Variant of Uncertain Significance.

NM_001195263.2(PDZD7):c.2698T>C (p.Phe900Leu)

Gene: PDZD7 (PDZ domain containing 7; minus strand). Cytogenetic location: 10q24.31.
Variant type: single nucleotide variant.
Coding change: c.2698T>C on transcript NM_001195263.2 (MANE Select); coding-DNA position 2698, T replaced by C.
Protein change: p.Phe900Leu; replaces phenylalanine 900 with leucine.
Molecular consequence: missense variant.
Genome position (GRCh38, 1-based): chr10:101,009,270, A>G on the plus strand (T>C on the coding strand, the complement: PDZD7 is on the minus strand). VCF-style: chr10-101009270-A-G. GRCh37 (hg19) VCF-style: chr10-102769027-A-G.
Other names: short protein forms F900L.
Identifiers: ClinVar variation 1061466 (VCV001061466.9), dbSNP rs1381855360, ClinGen allele CA378223547.